The following is an entry in ClinVar:

ClinVar aggregate classification (germline): Uncertain significance. Review status: criteria provided, multiple submitters, no conflicts (2 of 4 stars). 3 submissions from 3 submitters: Uncertain significance (2). 1 of the submissions does not count toward it. Last evaluated 2022-06-22.

Conditions:
GNPTG-mucolipidosis. Also called: ML III GAMMA; ML IIIC; Mucolipidosis type III gamma; MUCOLIPIDOSIS III, COMPLEMENTATION GROUP C; MUCOLIPIDOSIS III, IRANIAN VARIANT FORM; MUCOLIPIDOSIS III, VARIANT FORM. Identifiers: Orphanet 423470, Orphanet 577, MedGen C1854896, MONDO:0009652, OMIM 252605.

Allele frequency attached by ClinVar (database versions not stated): TOPMed 0.00004.
gnomAD v4.1: 18 of 1,611,756 alleles (0.0011%); highest among the groups gnomAD compares: African/African-American, 0.015%; no homozygotes.

Submissions (3):

Labcorp Genetics (formerly Invitae), Labcorp
Classification: Uncertain significance. Last evaluated: 2022-06-22. Review status: criteria provided, single submitter. Criteria: Invitae Variant Classification Sherloc (09022015). Collection method: clinical testing. Allele origin: germline.
Comment: This sequence change replaces serine, which is neutral and polar, with leucine, which is neutral and non-polar, at codon 68 of the GNPTG protein (p.Ser68Leu). This variant is present in population databases (rs552402857, gnomAD 0.01%). This variant has not been reported in the literature in individuals affected with GNPTG-related conditions. ClinVar contains an entry for this variant (Variation ID: 990358). Algorithms developed to predict the effect of missense changes on protein structure and function (SIFT, PolyPhen-2, Align-GVGD) all suggest that this variant is likely to be tolerated. In summary, the available evidence is currently insufficient to determine the role of this variant in disease. Therefore, it has been classified as a Variant of Uncertain Significance.

Mayo Clinic Laboratories, Mayo Clinic
Classification: Uncertain significance. Last evaluated: 2022-04-06. Review status: criteria provided, single submitter. Criteria: ACMG Guidelines, 2015. Collection method: clinical testing. Allele origin: germline. Observed: 1 variant allele.
Comment: PM2

Natera, Inc.
Classification: Uncertain significance for Mucolipidosis III gamma. Last evaluated: 2020-04-24. Review status: no assertion criteria provided. Collection method: clinical testing. Allele origin: germline. Not counted in ClinVar's aggregate classification.

NM_032520.5(GNPTG):c.203C>T (p.Ser68Leu)

Gene: GNPTG (N-acetylglucosamine-1-phosphate transferase subunit gamma; plus strand). Cytogenetic location: 16p13.3.
Variant type: single nucleotide variant.
Coding change: c.203C>T on transcript NM_032520.5 (MANE Select); coding-DNA position 203, C replaced by T.
Protein change: p.Ser68Leu; replaces serine 68 with leucine.
Molecular consequence: missense variant.
Genome position (GRCh38, 1-based): chr16:1,361,767, C>T. VCF-style: chr16-1361767-C-T. GRCh37 (hg19) VCF-style: chr16-1411768-C-T.
Other names: p.Ser68Leu; short protein forms S68L.
Identifiers: ClinVar variation 990358 (VCV000990358.4), dbSNP rs552402857, ClinGen allele CA7807520.